The following is an entry in ClinVar:

ClinVar aggregate classification (germline): Uncertain significance. Review status: criteria provided, multiple submitters, no conflicts (2 of 4 stars). 2 submissions from 2 submitters: Uncertain significance (2). Last evaluated 2024-09-11.

Conditions:
Inborn genetic diseases. Identifiers: MedGen C0950123, MeSH D030342.

Allele frequency attached by ClinVar (database versions not stated): gnomAD 0.00001.
gnomAD v4.1: 33 of 1,537,130 alleles (0.0021%); highest among the groups gnomAD compares: Non-Finnish European, 0.0026%; no homozygotes.

Submissions (2):

GeneDx
Classification: Uncertain significance. Last evaluated: 2024-09-11. Review status: criteria provided, single submitter. Criteria: GeneDx Variant Classification Process June 2021. Collection method: clinical testing. Allele origin: germline. Affected: yes.
Comment: Not observed at significant frequency in large population cohorts (gnomAD); In silico analysis indicates that this missense variant does not alter protein structure/function; Has not been previously published as pathogenic or benign to our knowledge

Ambry Genetics
Classification: Uncertain significance for Inborn genetic diseases. Last evaluated: 2022-02-10. Review status: criteria provided, single submitter. Criteria: Ambry Variant Classification Scheme 2023. Collection method: clinical testing. Allele origin: germline.

NM_000748.3(CHRNB2):c.1288G>A (p.Gly430Ser)

Gene: CHRNB2 (cholinergic receptor nicotinic beta 2 subunit; plus strand). Cytogenetic location: 1q21.3.
Variant type: single nucleotide variant.
Coding change: c.1288G>A on transcript NM_000748.3 (MANE Select); coding-DNA position 1288, G replaced by A.
Protein change: p.Gly430Ser; replaces glycine 430 with serine.
Molecular consequence: missense variant.
Genome position (GRCh38, 1-based): chr1:154,572,111, G>A. VCF-style: chr1-154572111-G-A. GRCh37 (hg19) VCF-style: chr1-154544587-G-A.
Other names: short protein forms G430S.
Identifiers: ClinVar variation 2276308 (VCV002276308.3), dbSNP rs1284002598, ClinGen allele CA342631861.
Genomic context (GRCh38, chr1:154,572,111, plus strand): 5'-GTGGCGGGCCCCGGGCGCTCAGGGGAGCCGTGTGGCTGTGGCCTCCGGGAGGCGGTGGAC[G>A]GCGTGCGCTTCATCGCAGACCACATGCGGAGCGAGGACGATGACCAGAGCGTGAGTGCCG-3'
Protein context (NP_000739.1, residues 420-440): CGCGLREAVD[Gly430Ser]VRFIADHMRS